The following is an entry in ClinVar:

GRCh37/hg19 7q31.1-31.2(chr7:113949623-115336410)x1

Genes: FOXP2 (forkhead box P2; plus strand), MDFIC (MyoD family inhibitor domain containing; plus strand). Cytogenetic location: 7q31.1-31.2.
Variant type: copy number loss.
Change: copy number 1 (one copy instead of two) of chr7:113,949,623-115,336,410 (1.39 Mb, GRCh37 coordinates, 1-based), cytogenetic band 7q31.1-31.2.
Identifiers: ClinVar variation 3391833 (VCV003391833.1).

ClinVar aggregate classification (germline): Likely pathogenic (1 of 4 stars; one submission).

Submission:

Quest Diagnostics Nichols Institute San Juan Capistrano
Classification: Likely pathogenic. Last evaluated: 2023-10-17. Review status: criteria provided, single submitter. Criteria: ACMG/ClinGen CNV Guidelines, 2019. Collection method: clinical testing. Allele origin: unknown.
Comment: The copy number loss of 7q31.1q31.2 involves two protein-coding genes: MDFIC (OMIM 614511) and FOXP2 (OMIM 605317). Heterozygous loss-of-function and missense variants of FOXP2 are associated with autosomal dominant speech-language disorder 1 (OMIM 602081, Turner 2013, Morgan 2023). In addition, hemizygous deletions involving all or an intragenic portion of FOXP2 have been identified in individuals with speech and language delays and mild facial dysmorphic features (Firth 2009, Rice 2012, Reuter 2017, Morison 2023) and have been reported in a pedigree with a variable presentation of speech-language disorder and autism spectrum disorder in affected individuals (Basel-Salmon 2019). This region has no similar copy number losses in the general populations of the Database of Genomic Variants. Thus, this CNV is classified as likely pathogenic. References: Basel-Salmon et al., Genet Med. 2019 Jun;21(6):1443-1451. PMID: 30377382; Firth et al., Am J Hum Genet. 2009 Apr;84(4):524-33. PMID: 19344873; Morgan et al., GeneReviews [Internet]. 2023 Jan 26. PMID: 27336128; Morison et al., J Med Genet. 2023 Jun;60(6):597-607. PMID: 36328423; Reuter et al., J Med Genet. 2017 Jan;54(1):64-72. PMID: 27572252; Rice et al., Am J Med Genet A. 2012 Jan;158A(1):174-81. PMID: 22106036; Turner et al., Am J Med Genet A. 2013 Sep;161A(9):2321-6. PMID: 23918746